The following is an entry in ClinVar:

NM_001010874.5(TECRL):c.425G>A (p.Ser142Asn)

Gene: TECRL (trans-2,3-enoyl-CoA reductase like; minus strand). Cytogenetic location: 4q13.1.
Variant type: single nucleotide variant.
Coding change: c.425G>A on transcript NM_001010874.5 (MANE Select); coding-DNA position 425, G replaced by A.
Protein change: p.Ser142Asn; replaces serine 142 with asparagine.
Molecular consequence: missense variant.
Genome position (GRCh38, 1-based): chr4:64,322,699, C>T on the plus strand (G>A on the coding strand, the complement: TECRL is on the minus strand). VCF-style: chr4-64322699-C-T. GRCh37 (hg19) VCF-style: chr4-65188417-C-T.
Other names: c.425G>A, p.Ser142Asn (NM_001363796.1); short protein forms S142N.
Identifiers: ClinVar variation 4182163 (VCV004182163.2).

ClinVar aggregate classification (germline): Uncertain significance (1 of 4 stars; one submission).

Conditions:
Cardiovascular phenotype. Identifiers: MedGen CN230736.

Submission:

Ambry Genetics
Classification: Uncertain significance for Cardiovascular phenotype. Last evaluated: 2026-04-27. Review status: criteria provided, single submitter. Criteria: Ambry Variant Classification Scheme 2023. Collection method: clinical testing. Allele origin: germline.
Comment: The p.S142N variant (also known as c.425G>A), located in coding exon 4 of the TECRL gene, results from a G to A substitution at nucleotide position 425. The serine at codon 142 is replaced by asparagine, an amino acid with highly similar properties. This amino acid position is conserved. In addition, this alteration is predicted to be tolerated by in silico analysis. Based on the available evidence, the clinical significance of this variant remains unclear.